The following is an entry in ClinVar:

NM_000152.5(GAA):c.419A>T (p.Asn140Ile)

Gene: GAA (alpha glucosidase; plus strand). Cytogenetic location: 17q25.3.
Variant type: single nucleotide variant.
Coding change: c.419A>T on transcript NM_000152.5 (MANE Select); coding-DNA position 419, A replaced by T.
Protein change: p.Asn140Ile; replaces asparagine 140 with isoleucine.
Molecular consequence: missense variant.
Genome position (GRCh38, 1-based): chr17:80,105,005, A>T. VCF-style: chr17-80105005-A-T. GRCh37 (hg19) VCF-style: chr17-78078804-A-T.
Other names: c.419A>T, p.Asn140Ile (NM_001079803.3, NM_001079804.3, NM_001406741.1 and 1 more transcripts); short protein forms N140I.
Identifiers: ClinVar variation 2999837 (VCV002999837.3), dbSNP rs2510346688, ClinGen allele CA401361221.

ClinVar aggregate classification (germline): Uncertain significance (1 of 4 stars; one submission).

Conditions:
Glycogen storage disease, type II (IOPD). Also called: Glucosidase acid-1,4-alpha deficiency; Pompe Disease; POMPE DISEASE, INFANTILE-ONSET; GLYCOGEN STORAGE DISEASE II, INFANTILE-ONSET; ACID ALPHA-GLUCOSIDASE DEFICIENCY, INFANTILE-ONSET; GAA DEFICIENCY, INFANTILE-ONSET. Identifiers: Orphanet 365, MedGen C0017921, MONDO:0009290, OMIM 232300.

Submission:

Labcorp Genetics (formerly Invitae), Labcorp
Classification: Uncertain significance for Glycogen storage disease, type II. Last evaluated: 2023-10-27. Review status: criteria provided, single submitter. Criteria: Invitae Variant Classification Sherloc (09022015). Collection method: clinical testing. Allele origin: germline.
Comment: This sequence change replaces asparagine, which is neutral and polar, with isoleucine, which is neutral and non-polar, at codon 140 of the GAA protein (p.Asn140Ile). This variant is not present in population databases (gnomAD no frequency). This variant has not been reported in the literature in individuals affected with GAA-related conditions. Advanced modeling of protein sequence and biophysical properties (such as structural, functional, and spatial information, amino acid conservation, physicochemical variation, residue mobility, and thermodynamic stability) performed at Invitae indicates that this missense variant is expected to disrupt GAA protein function with a positive predictive value of 80%. In summary, the available evidence is currently insufficient to determine the role of this variant in disease. Therefore, it has been classified as a Variant of Uncertain Significance.